The following is an entry in ClinVar:

ClinVar aggregate classification (germline): Uncertain significance (0 of 4 stars; one submission).

Conditions:
PLXNA3-related disorder. Also called: PLXNA3-related condition.

gnomAD v4.1: 17 of 1,208,540 alleles (0.0014%); highest among the groups gnomAD compares: South Asian, 0.021%; no homozygotes.

Submission:

PreventionGenetics, part of Exact Sciences
Classification: Uncertain significance for PLXNA3-related condition. Last evaluated: 2024-01-31. Review status: no assertion criteria provided. Collection method: clinical testing. Allele origin: germline.
Comment: The PLXNA3 c.1729G>A variant is predicted to result in the amino acid substitution p.Glu577Lys. To our knowledge, this variant has not been reported in the literature. This variant is reported in 0.033% of alleles in individuals of South Asian descent in gnomAD, including three hemizygotes. At this time, the clinical significance of this variant is uncertain due to the absence of conclusive functional and genetic evidence.

NM_017514.5(PLXNA3):c.1729G>A (p.Glu577Lys)

Gene: PLXNA3 (plexin A3; plus strand). Cytogenetic location: Xq28.
Variant type: single nucleotide variant.
Coding change: c.1729G>A on transcript NM_017514.5 (MANE Select); coding-DNA position 1729, G replaced by A.
Protein change: p.Glu577Lys; replaces glutamic acid 577 with lysine.
Molecular consequence: missense variant.
Genome position (GRCh38, 1-based): chrX:154,464,214, G>A. VCF-style: chrX-154464214-G-A. GRCh37 (hg19) VCF-style: chrX-153692557-G-A.
Other names: short protein forms E577K.
Identifiers: ClinVar variation 3356921 (VCV003356921.1).